The following is an entry in ClinVar:

NM_020297.4(ABCC9):c.2224G>C (p.Glu742Gln)

Gene: ABCC9 (ATP binding cassette subfamily C member 9; minus strand). Cytogenetic location: 12p12.1.
Variant type: single nucleotide variant.
Coding change: c.2224G>C on transcript NM_020297.4 (MANE Select); coding-DNA position 2224, G replaced by C.
Protein change: p.Glu742Gln; replaces glutamic acid 742 with glutamine.
Molecular consequence: missense variant.
Genome position (GRCh38, 1-based): chr12:21,864,452, C>G on the plus strand (G>C on the coding strand, the complement: ABCC9 is on the minus strand). VCF-style: chr12-21864452-C-G. GRCh37 (hg19) VCF-style: chr12-22017386-C-G.
Other names: c.2224G>C, p.Glu742Gln (NM_001377273.1, NM_005691.4); c.1360G>C, p.Glu454Gln (NM_001377274.1); short protein forms E454Q, E742Q.
Identifiers: ClinVar variation 2171944 (VCV002171944.4), dbSNP rs2541249220, ClinGen allele CA384130462.
Genomic context (GRCh38, chr12:21,864,452, plus strand): 5'-GGAAGGAAGTTATTCTTATTAAACTCAGGTTAAAATAGAAATAATACCTTCTGGTTGCTT[C>G]AAAAGAAGGCTCAGATTCATTTACACTGCAAGTATGGCAAACAATGTTCATTAATTATGA-3'
Protein context (NP_064693.2, residues 732-752): SNVNESEPSF[Glu742Gln]ATRSRNRYSV

ClinVar aggregate classification (germline): Uncertain significance (1 of 4 stars; one submission).

Conditions:
Dilated cardiomyopathy 1O (CMD1O). Also called: CARDIOMYOPATHY, DILATED, WITH VENTRICULAR TACHYCARDIA. Identifiers: Orphanet 154, MedGen C1837839, MONDO:0012062, OMIM 608569.

Submission:

Labcorp Genetics (formerly Invitae), Labcorp
Classification: Uncertain significance for Dilated cardiomyopathy 1O. Last evaluated: 2021-12-17. Review status: criteria provided, single submitter. Criteria: Invitae Variant Classification Sherloc (09022015). Collection method: clinical testing. Allele origin: germline.
Comment: This sequence change replaces glutamic acid, which is acidic and polar, with glutamine, which is neutral and polar, at codon 742 of the ABCC9 protein (p.Glu742Gln). This variant is not present in population databases (gnomAD no frequency). This variant has not been reported in the literature in individuals affected with ABCC9-related conditions. Algorithms developed to predict the effect of missense changes on protein structure and function (SIFT, PolyPhen-2, Align-GVGD) all suggest that this variant is likely to be tolerated. In summary, the available evidence is currently insufficient to determine the role of this variant in disease. Therefore, it has been classified as a Variant of Uncertain Significance.